The following is an entry in ClinVar:

ClinVar aggregate classification (germline): Uncertain significance (1 of 4 stars; one submission).

Conditions:
Congenital myasthenic syndrome 18. Also called: MYASTHENIC SYNDROME, CONGENITAL, 18, WITH INTELLECTUAL DISABILITY AND ATAXIA. Identifiers: Orphanet 590, MedGen C4225364, MONDO:0014590, OMIM 616330.

Submission:

Labcorp Genetics (formerly Invitae), Labcorp
Classification: Uncertain significance for Congenital myasthenic syndrome 18. Last evaluated: 2023-11-27. Review status: criteria provided, single submitter. Criteria: Invitae Variant Classification Sherloc (09022015). Collection method: clinical testing. Allele origin: germline.
Comment: This sequence change replaces glutamic acid, which is acidic and polar, with aspartic acid, which is acidic and polar, at codon 38 of the SNAP25 protein (p.Glu38Asp). This variant also falls at the last nucleotide of exon 3, which is part of the consensus splice site for this exon. This variant is not present in population databases (gnomAD no frequency). This variant has not been reported in the literature in individuals affected with SNAP25-related conditions. ClinVar contains an entry for this variant (Variation ID: 571417). An algorithm developed to predict the effect of missense changes on protein structure and function (PolyPhen-2) suggests that this variant is likely to be tolerated. Variants that disrupt the consensus splice site are a relatively common cause of aberrant splicing (PMID: 17576681, 9536098). Algorithms developed to predict the effect of sequence changes on RNA splicing suggest that this variant may disrupt the consensus splice site. In summary, the available evidence is currently insufficient to determine the role of this variant in disease. Therefore, it has been classified as a Variant of Uncertain Significance.

Literature cited by the submitters: PubMed 17576681; PubMed 9536098.

NM_130811.4(SNAP25):c.114G>C (p.Glu38Asp)

Gene: SNAP25 (synaptosome associated protein 25; plus strand). Cytogenetic location: 20p12.2.
Variant type: single nucleotide variant.
Coding change: c.114G>C on transcript NM_130811.4 (MANE Select); coding-DNA position 114, G replaced by C.
Protein change: p.Glu38Asp; replaces glutamic acid 38 with aspartic acid.
Molecular consequence: missense variant.
Genome position (GRCh38, 1-based): chr20:10,277,726, G>C. VCF-style: chr20-10277726-G-C. GRCh37 (hg19) VCF-style: chr20-10258374-G-C.
Other names: c.114G>C, p.Glu38Asp (NM_001322902.2, NM_001322903.2, NM_001322904.2 and 7 more transcripts); short protein forms E38D.
Identifiers: ClinVar variation 571417 (VCV000571417.9), dbSNP rs763997141, ClinGen allele CA408265407.
Genomic context (GRCh38, chr20:10,277,726, plus strand): 5'-TTTGTTTTTTAAATCTTAGTCGCTGGAAAGCACCCGTCGTATGCTGCAACTGGTTGAAGA[G>C]GTAAGAAGTGACAGTATTTTAAGATAAAGGAACAAATCCCTTATGCTGATACATCCTTTC-3'
Protein context (NP_570824.1, residues 28-48): STRRMLQLVE[Glu38Asp]SKDAGIRTLV